The following is an entry in ClinVar:

NM_000255.4(MMUT):c.1514T>C (p.Ile505Thr)

Gene: MMUT (methylmalonyl-CoA mutase; minus strand). Cytogenetic location: 6p12.3.
Variant type: single nucleotide variant.
Coding change: c.1514T>C on transcript NM_000255.4 (MANE Select); coding-DNA position 1514, T replaced by C.
Protein change: p.Ile505Thr; replaces isoleucine 505 with threonine.
Molecular consequence: missense variant.
Genome position (GRCh38, 1-based): chr6:49,447,716, A>G on the plus strand (T>C on the coding strand, the complement: MMUT is on the minus strand). VCF-style: chr6-49447716-A-G. GRCh37 (hg19) VCF-style: chr6-49415429-A-G.
Other names: short protein forms I505T.
Identifiers: ClinVar variation 2734888 (VCV002734888.4), dbSNP rs2481326733, ClinGen allele CA364397174.

ClinVar aggregate classification (germline): Conflicting classifications of pathogenicity. Review status: criteria provided, conflicting classifications (1 of 4 stars). 2 submissions from 2 submitters: Pathogenic (1); Uncertain significance (1). Last evaluated 2024-10-25.

Submissions (2):

Women's Health and Genetics/Laboratory Corporation of America, LabCorp
Classification: Uncertain significance. Last evaluated: 2024-10-25. Review status: criteria provided, single submitter. Criteria: LabCorp Variant Classification Summary - May 2015. Collection method: clinical testing. Allele origin: germline.
Comment: Variant summary: MUT c.1514T>C (p.Ile505Thr) results in a non-conservative amino acid change located in the Methylmalonyl-CoA mutase, alpha chain, catalytic domain (IPR006098) of the encoded protein sequence. Five of five in-silico tools predict a damaging effect of the variant on protein function. The variant was absent in 250110 control chromosomes. c.1514T>C has been reported in the literature in the compound heterozygous sate in at least one individua affected with Methylmalonic Acidemia (Yu_2021). These data do not allow any conclusion about variant significance. At least one publication reports experimental evidence evaluating an impact on protein function. The most pronounced variant effect results in 30%-50% of normal activity (Han_2017). The following publications have been ascertained in the context of this evaluation (PMID: 28101778, 34668645). ClinVar contains an entry for this variant (Variation ID: 2734888). Based on the evidence outlined above, the variant was classified as VUS-possibly pathogenic.

Labcorp Genetics (formerly Invitae), Labcorp
Classification: Pathogenic. Last evaluated: 2024-01-09. Review status: criteria provided, single submitter. Criteria: Invitae Variant Classification Sherloc (09022015). Collection method: clinical testing. Allele origin: germline.
Comment: This sequence change replaces isoleucine, which is neutral and non-polar, with threonine, which is neutral and polar, at codon 505 of the MUT protein (p.Ile505Thr). This variant is not present in population databases (gnomAD no frequency). This missense change has been observed in individual(s) with methylmalonic acidemia (PMID: 19806564, 26454439). In at least one individual the data is consistent with being in trans (on the opposite chromosome) from a pathogenic variant. Advanced modeling of protein sequence and biophysical properties (such as structural, functional, and spatial information, amino acid conservation, physicochemical variation, residue mobility, and thermodynamic stability) performed at Invitae indicates that this missense variant is expected to disrupt MUT protein function with a positive predictive value of 95%. Experimental studies have shown that this missense change affects MUT function (PMID: 28101778). For these reasons, this variant has been classified as Pathogenic.

Literature cited by the submitters: PubMed 34668645 (cited by Women's Health and Genetics/Laboratory Corporation of America, LabCorp); PubMed 28101778 (cited by Women's Health and Genetics/Laboratory Corporation of America, LabCorp and Labcorp Genetics (formerly Invitae), Labcorp); PubMed 19806564 (cited by Labcorp Genetics (formerly Invitae), Labcorp); PubMed 26454439 (cited by Labcorp Genetics (formerly Invitae), Labcorp).